The following is an entry in ClinVar:

ClinVar aggregate classification (germline): Uncertain significance. Review status: criteria provided, multiple submitters, no conflicts (2 of 4 stars). 2 submissions from 2 submitters: Uncertain significance (2). Last evaluated 2022-06-11.

Allele frequency attached by ClinVar (database versions not stated): ExAC 0.00001; gnomAD exomes 0.00001; gnomAD 0.00004; TOPMed 0.00004; ESP Exome Variant Server 0.00008.
gnomAD v4.1: 11 of 1,613,646 alleles (0.00068%); highest among the groups gnomAD compares: African/African-American, 0.015%; no homozygotes.

Submissions (2):

Labcorp Genetics (formerly Invitae), Labcorp
Classification: Uncertain significance. Last evaluated: 2022-06-11. Review status: criteria provided, single submitter. Criteria: Invitae Variant Classification Sherloc (09022015). Collection method: clinical testing. Allele origin: germline.
Comment: This sequence change replaces tyrosine, which is neutral and polar, with cysteine, which is neutral and slightly polar, at codon 205 of the TTC37 protein (p.Tyr205Cys). This variant is present in population databases (rs371051263, gnomAD 0.02%). This variant has not been reported in the literature in individuals affected with TTC37-related conditions. Algorithms developed to predict the effect of missense changes on protein structure and function are either unavailable or do not agree on the potential impact of this missense change (SIFT: "Deleterious"; PolyPhen-2: "Probably Damaging"; Align-GVGD: "Class C0"). In summary, the available evidence is currently insufficient to determine the role of this variant in disease. Therefore, it has been classified as a Variant of Uncertain Significance.

Blueprint Genetics
Classification: Uncertain significance. Last evaluated: 2020-09-10. Review status: criteria provided, single submitter. Criteria: ACMG Guidelines, 2015. Collection method: clinical testing. Allele origin: germline.

NM_014639.4(SKIC3):c.614A>G (p.Tyr205Cys)

Gene: SKIC3 (SKI3 subunit of superkiller complex; minus strand). Cytogenetic location: 5q15.
Variant type: single nucleotide variant.
Coding change: c.614A>G on transcript NM_014639.4 (MANE Select); coding-DNA position 614, A replaced by G.
Protein change: p.Tyr205Cys; replaces tyrosine 205 with cysteine.
Molecular consequence: missense variant.
Genome position (GRCh38, 1-based): chr5:95,537,071, T>C on the plus strand (A>G on the coding strand, the complement: SKIC3 is on the minus strand). VCF-style: chr5-95537071-T-C. GRCh37 (hg19) VCF-style: chr5-94872775-T-C.
Other names: short protein forms Y205C.
Identifiers: ClinVar variation 1964398 (VCV001964398.3), dbSNP rs371051263, ClinGen allele CA3347571.
Genomic context (GRCh38, chr5:95,537,071, plus strand): 5'-AGTCACATTAGAGATTTAAAAAATCAACTTACTTTGGATAAACTCTGAATGAAATGCCTA[T>C]AAAGTACTTGGTGATCTTCACTAGGAATCTTATCTGATAATCCCAGTGCATTCTCAAAAG-3'
Protein context (NP_055454.1, residues 195-215): KIPSEDHQVL[Tyr205Cys]RHFIQSLSKF